The following is an entry in ClinVar:

ClinVar aggregate classification (germline): Conflicting classifications of pathogenicity. Review status: criteria provided, conflicting classifications (1 of 4 stars). 14 submissions from 12 submitters: Uncertain significance (10); Likely benign (1). 3 of the submissions do not count toward it. Last evaluated 2026-09-14.

Conditions:
RPGRIP1-related disorder. Also called: RPGRIP1-related condition.
Retinal dystrophy. Also called: Inherited retinal dystrophy. Identifiers: Orphanet 71862, MedGen C0854723, MeSH D058499, MONDO:0019118, HP:0000556.
Leber congenital amaurosis 6 (LCA6). Identifiers: Orphanet 65, MedGen C1854260, MONDO:0013446, OMIM 613826.
Cone-rod dystrophy 13 (CORD13). Identifiers: Orphanet 1872, MedGen C2750720, MONDO:0011987, OMIM 608194.

Allele frequency attached by ClinVar (database versions not stated): ESP Exome Variant Server 0.00041; gnomAD 0.00051; 1000 Genomes Project 0.00060; 1000 Genomes Project 30x 0.00062; TOPMed 0.00066.
gnomAD v4.1: 1,064 of 1,612,660 alleles (0.066%); highest among the groups gnomAD compares: Admixed American, 0.085%; no homozygotes.

Submissions (15):

PreventionGenetics, part of Exact Sciences
Classification: Uncertain significance for RPGRIP1-related condition. Last evaluated: 2026-09-14. Review status: criteria provided, single submitter. Criteria: ACMG Guidelines, 2015. Collection method: clinical testing. Allele origin: germline.
Comment: The RPGRIP1 c.3358A>G variant is predicted to result in the amino acid substitution p.Ile1120Val. This variant was reported in the heterozygous state in individuals with retinitis pigmentosa; however, a second potentially causative variant was not identified in either patient (Vallespin et al. 2007. PubMed ID: 18055816; Song et al. 2011. PubMed ID: 22025579). Additionally, this variant is reported in 0.074% of alleles in individuals of Latino descent in gnomAD, which may be too frequent to be a primary cause of disease. Although we suspect that this variant may be benign, the clinical significance of this variant is currently classified as uncertain due to the absence of conclusive functional and genetic evidence.

Blueprint Genetics
Classification: Likely benign. Last evaluated: 2024-10-18. Review status: criteria provided, single submitter. Criteria: ACMG Guidelines, 2015. Collection method: clinical testing. Allele origin: germline.

Women's Health and Genetics/Laboratory Corporation of America, LabCorp
Classification: Uncertain significance. Last evaluated: 2023-03-16. Review status: criteria provided, single submitter. Criteria: LabCorp Variant Classification Summary - May 2015. Collection method: clinical testing. Allele origin: germline.
Comment: Variant summary: RPGRIP1 c.3358A>G (p.Ile1120Val) results in a conservative amino acid change located in the C-terminal domain (IPR041091) of the encoded protein sequence. Four of five in-silico tools predict a benign effect of the variant on protein function. The variant allele was found at a frequency of 0.00043 in 248632 control chromosomes (gnomAD and Dopazo_2016). This frequency is not significantly higher than estimated for a pathogenic variant in RPGRIP1 causing Leber Congenital Amaurosis (0.00043 vs 0.0011), allowing no conclusion about variant significance. c.3358A>G has been reported in the literature as a VUS in settings of multigene panel testing in heterozygous individuals affected by a variety of retinal dystrophies, without strong evidence for causality (e.g. Stone_2007, Vallespin_2007, Song_2011, Wang_2014, Tiwari_2016). These reports do not provide unequivocal conclusions about association of the variant with Leber Congenital Amaurosis. To our knowledge, no experimental evidence demonstrating an impact on protein function has been reported. Four clinical diagnostic laboratories have submitted clinical-significance assessments for this variant to ClinVar after 2014 and all classified the variant as uncertain significance. Based on the evidence outlined above, the variant was classified as uncertain significance.

Labcorp Genetics (formerly Invitae), Labcorp
Classification: Uncertain significance for Leber congenital amaurosis 6; Cone-rod dystrophy 13. Last evaluated: 2022-10-25. Review status: criteria provided, single submitter. Criteria: Invitae Variant Classification Sherloc (09022015). Collection method: clinical testing. Allele origin: germline.
Comment: This sequence change replaces isoleucine, which is neutral and non-polar, with valine, which is neutral and non-polar, at codon 1120 of the RPGRIP1 protein (p.Ile1120Val). This variant is present in population databases (rs137853911, gnomAD 0.07%). This variant has not been reported in the literature in individuals affected with RPGRIP1-related conditions. ClinVar contains an entry for this variant (Variation ID: 100589). Advanced modeling of protein sequence and biophysical properties (such as structural, functional, and spatial information, amino acid conservation, physicochemical variation, residue mobility, and thermodynamic stability) performed at Invitae indicates that this missense variant is not expected to disrupt RPGRIP1 protein function. In summary, the available evidence is currently insufficient to determine the role of this variant in disease. Therefore, it has been classified as a Variant of Uncertain Significance.

Department of Pathology and Laboratory Medicine, Sinai Health System
Classification: Uncertain significance for Cone-rod dystrophy 13; Leber congenital amaurosis 6. Last evaluated: 2022-06-02. Review status: criteria provided, single submitter. Criteria: ACMG Guidelines, 2015. Collection method: research. Allele origin: germline.

Genome-Nilou Lab
Classification: Uncertain significance for Leber congenital amaurosis 6. Last evaluated: 2021-11-07. Review status: criteria provided, single submitter. Criteria: ACMG Guidelines, 2015. Collection method: clinical testing. Allele origin: germline. Affected: no.

Genome-Nilou Lab
Classification: Uncertain significance for Cone-rod dystrophy 13. Last evaluated: 2021-11-07. Review status: criteria provided, single submitter. Criteria: ACMG Guidelines, 2015. Collection method: clinical testing. Allele origin: germline. Affected: no.

Institute of Human Genetics, Univ. Regensburg, Univ. Regensburg
Classification: Uncertain significance for Retinal dystrophy. Last evaluated: 2019-01-01. Review status: criteria provided, single submitter. Criteria: ACMG Guidelines, 2015. Collection method: clinical testing. Allele origin: germline. Affected: yes.

Illumina Laboratory Services, Illumina
Classification: Uncertain significance for Leber congenital amaurosis 6. Last evaluated: 2017-04-27. Review status: criteria provided, single submitter. Criteria: ICSL Variant Classification Criteria 13 December 2019. Collection method: clinical testing. Allele origin: germline.
Comment: This variant was observed as part of a predisposition screen in an ostensibly healthy population. A literature search was performed for the gene, cDNA change, and amino acid change (where applicable). Publications were found based on this search. However, the evidence from the literature, in combination with allele frequency data from public databases where available, was not sufficient to rule this variant in or out of causing disease. Therefore, this variant is classified as a variant of unknown significance.

Illumina Laboratory Services, Illumina
Classification: Uncertain significance for Cone-rod dystrophy 13. Last evaluated: 2017-04-27. Review status: criteria provided, single submitter. Criteria: ICSL Variant Classification Criteria 13 December 2019. Collection method: clinical testing. Allele origin: germline.
Comment: the same text as in the submission from Illumina Laboratory Services, Illumina above.

CeGaT Center for Human Genetics Tuebingen
Classification: Uncertain significance. Last evaluated: 2016-09-01. Review status: criteria provided, single submitter. Criteria: CeGaT Center For Human Genetics Tuebingen Variant Classification Criteria Version 2. Collection method: clinical testing. Allele origin: germline. Affected: yes. Observed: 1 variant allele.

Clinical Genetics DNA and cytogenetics Diagnostics Lab, Erasmus MC, Erasmus Medical Center
Classification: Uncertain significance. Review status: no assertion criteria provided. Collection method: clinical testing. Allele origin: germline. Affected: yes. Study: VKGL Data-share Consensus. Not counted in ClinVar's aggregate classification.

Clinical Genetics, Academic Medical Center
Classification: Uncertain significance. Review status: no assertion criteria provided. Collection method: clinical testing. Allele origin: germline. Affected: yes. Study: VKGL Data-share Consensus. Not counted in ClinVar's aggregate classification.

Dr. Peter K. Rogan Lab, Western University
No classification provided (evidence only). Condition: Lung cancer. Review status: no classification provided. Collection method: in vitro. Allele origin: not applicable. Functional consequence: retained intron. Not counted in ClinVar's aggregate classification.

NEI Ophthalmic Genomics Laboratory, National Institutes of Health
No classification provided. Review status: no classification provided. Collection method: not provided. Allele origin: not provided. Not counted in ClinVar's aggregate classification.

Literature cited by the submitters: PubMed 22025579 (cited by 3 submitters); PubMed 26764160 (cited by Women's Health and Genetics/Laboratory Corporation of America, LabCorp and Institute of Human Genetics, Univ. Regensburg, Univ. Regensburg); PubMed 25097241 (cited by Women's Health and Genetics/Laboratory Corporation of America, LabCorp); PubMed 17964524 (cited by Women's Health and Genetics/Laboratory Corporation of America, LabCorp and Illumina Laboratory Services, Illumina); PubMed 27353947 (cited by Women's Health and Genetics/Laboratory Corporation of America, LabCorp); PubMed 18055816 (cited by 3 submitters); PubMed 28679690 (cited by Women's Health and Genetics/Laboratory Corporation of America, LabCorp).

NM_020366.4(RPGRIP1):c.3358A>G (p.Ile1120Val)

Gene: RPGRIP1 (RPGR interacting protein 1; plus strand). Cytogenetic location: 14q11.2.
Variant type: single nucleotide variant.
Coding change: c.3358A>G on transcript NM_020366.4 (MANE Select); coding-DNA position 3358, A replaced by G.
Protein change: p.Ile1120Val; replaces isoleucine 1120 with valine.
Molecular consequence: missense variant.
Genome position (GRCh38, 1-based): chr14:21,343,054, A>G. VCF-style: chr14-21343054-A-G. GRCh37 (hg19) VCF-style: chr14-21811213-A-G.
Other names: c.1336A>G, p.Ile446Val (NM_001377523.1, NM_001377950.1); c.2284A>G, p.Ile762Val (NM_001377948.1); c.1444A>G, p.Ile482Val (NM_001377949.1); c.841A>G, p.Ile281Val (NM_001377951.1); short protein forms I1120V, I281V, I446V, I482V, I762V.
Identifiers: ClinVar variation 100589 (VCV000100589.60), dbSNP rs137853911, ClinGen allele CA228928.